The following is an entry in ClinVar:

NM_005909.5(MAP1B):c.3578A>G (p.Asp1193Gly)

Gene: MAP1B (microtubule associated protein 1B; plus strand). Cytogenetic location: 5q13.2.
Variant type: single nucleotide variant.
Coding change: c.3578A>G on transcript NM_005909.5 (MANE Select); coding-DNA position 3578, A replaced by G.
Protein change: p.Asp1193Gly; replaces aspartic acid 1193 with glycine.
Molecular consequence: missense variant.
Genome position (GRCh38, 1-based): chr5:72,196,933, A>G. VCF-style: chr5-72196933-A-G. GRCh37 (hg19) VCF-style: chr5-71492760-A-G.
Other names: c.3200A>G, p.Asp1067Gly (NM_001324255.2); short protein forms D1067G, D1193G.
Identifiers: ClinVar variation 4874971 (VCV004874971.2).
Genomic context (GRCh38, chr5:72,196,933, plus strand): 5'-AATACTCTAAACCTGCTGATGTTACACCGCTCAACGGATTTTCTGAAGGATCAAAAACAG[A>G]TGCCACTGATGGCAAGGATTACAATGCTTCAGCCTCTACCATATCACCACCCTCTTCCAT-3'
Protein context (NP_005900.2, residues 1183-1203): LNGFSEGSKT[Asp1193Gly]ATDGKDYNAS

ClinVar aggregate classification (germline): Uncertain significance (1 of 4 stars; one submission).

Submission:

CeGaT Center for Human Genetics Tuebingen
Classification: Uncertain significance. Last evaluated: 2026-05-01. Review status: criteria provided, single submitter. Criteria: CeGaT Center For Human Genetics Tuebingen Variant Classification Criteria Version 2. Collection method: clinical testing. Allele origin: germline. Affected: yes. Observed: 1 variant allele.
Comment: MAP1B: PM2, BP4